The following is an entry in ClinVar:

NM_000287.4(PEX6):c.399G>T (p.Val133=)

Gene: PEX6 (peroxisomal biogenesis factor 6; minus strand). Cytogenetic location: 6p21.1.
Variant type: single nucleotide variant.
Coding change: c.399G>T on transcript NM_000287.4 (MANE Select); coding-DNA position 399, G replaced by T.
Protein change: p.Val133=; no amino-acid change (valine 133 retained).
Molecular consequence: synonymous variant. On other transcripts: non-coding transcript variant (1).
Genome position (GRCh38, 1-based): chr6:42,978,752, C>A on the plus strand (G>T on the coding strand, the complement: PEX6 is on the minus strand). VCF-style: chr6-42978752-C-A. GRCh37 (hg19) VCF-style: chr6-42946490-C-A.
Other names: c.399G>T, p.Val133= (NM_001316313.2).
Identifiers: ClinVar variation 92789 (VCV000092789.25), dbSNP rs9462858, ClinGen allele CA146014.

ClinVar aggregate classification (germline): Benign/Likely benign. Review status: criteria provided, multiple submitters, no conflicts (2 of 4 stars). 13 submissions from 11 submitters: Benign (9); Likely benign (2). 2 of the submissions do not count toward it. Last evaluated 2026-02-04.

Conditions:
Peroxisome biogenesis disorder. Identifiers: Orphanet 79189, MedGen C1832200, MONDO:0019234. Disease mechanism: loss of function.
Peroxisome biogenesis disorder 4B (PBD4B). Also called: SPINOCEREBELLAR ATAXIA WITH BLINDNESS AND DEAFNESS 1. Identifiers: Orphanet 44, Orphanet 95433, MedGen C3553937, MONDO:0013931, OMIM 614863.
Peroxisome biogenesis disorder 4A (Zellweger) (PBD4A). Also called: Zellweger syndrome spectrum (PEX6-related). Identifiers: Orphanet 912, MedGen C3553936, MONDO:0013930, OMIM 614862. Disease mechanism: loss of function.
Zellweger spectrum disorders (ZS). Also called: Zellweger syndrome; Zellweger Spectrum Disorder; Zellweger Spectrum; Zellweger Spectrum Disorder (ZSD). Identifiers: Orphanet 912, MedGen C0043459, MONDO:0019609.
Heimler syndrome 2 (HMLR2). Also called: PEROXISOME BIOGENESIS DISORDER 4C. Identifiers: Orphanet 3220, MedGen C4225267, OMIM 616617, MONDO:0014709.

Allele frequency attached by ClinVar (database versions not stated): 1000 Genomes Project 0.33187; 1000 Genomes Project 30x 0.33432; ESP Exome Variant Server 0.37541; TOPMed 0.39411; gnomAD 0.40130 and 0.40569; ExAC 0.44935.
gnomAD v4.1: 661,355 of 1,535,058 alleles (43%); highest among the groups gnomAD compares: Middle Eastern, 47%; 145,898 homozygotes.

Submissions (13):

Labcorp Genetics (formerly Invitae), Labcorp
Classification: Likely benign for Peroxisome biogenesis disorder. Last evaluated: 2026-02-04. Review status: criteria provided, single submitter. Criteria: Invitae Variant Classification Sherloc (09022015). Collection method: clinical testing. Allele origin: germline.

Blueprint Genetics
Classification: Benign. Last evaluated: 2024-11-27. Review status: criteria provided, single submitter. Criteria: ACMG Guidelines, 2015. Collection method: clinical testing. Allele origin: germline.

Genome-Nilou Lab
Classification: Benign for Heimler syndrome 2. Last evaluated: 2021-07-10. Review status: criteria provided, single submitter. Criteria: ACMG Guidelines, 2015. Collection method: clinical testing. Allele origin: germline. Affected: no.

Genome-Nilou Lab
Classification: Benign for Peroxisome biogenesis disorder 4A (Zellweger). Last evaluated: 2021-07-10. Review status: criteria provided, single submitter. Criteria: ACMG Guidelines, 2015. Collection method: clinical testing. Allele origin: germline. Affected: no.

Genome-Nilou Lab
Classification: Benign for Peroxisome biogenesis disorder 4B. Last evaluated: 2021-07-10. Review status: criteria provided, single submitter. Criteria: ACMG Guidelines, 2015. Collection method: clinical testing. Allele origin: germline. Affected: no.

Eurofins Ntd Llc (ga)
Classification: Benign. Last evaluated: 2018-07-10. Review status: criteria provided, single submitter. Criteria: EGL ClinVar v180209 classification definitions. Collection method: clinical testing. Allele origin: germline. Observed: 94 variant alleles, 64 heterozygotes, 30 homozygotes.

GeneDx
Classification: Benign. Last evaluated: 2018-06-13. Review status: criteria provided, single submitter. Criteria: GeneDx Variant Classification (06012015). Collection method: clinical testing. Allele origin: germline. Affected: yes.
Comment: This variant is considered likely benign or benign based on one or more of the following criteria: it is a conservative change, it occurs at a poorly conserved position in the protein, it is predicted to be benign by multiple in silico algorithms, and/or has population frequency not consistent with disease.

Illumina Laboratory Services, Illumina
Classification: Benign for Peroxisome biogenesis disorder 4A (Zellweger). Last evaluated: 2018-01-13. Review status: criteria provided, single submitter. Criteria: ICSL Variant Classification Criteria 13 December 2019. Collection method: clinical testing. Allele origin: germline.
Comment: This variant was observed in the ICSL laboratory as part of a predisposition screen in an ostensibly healthy population. It had not been previously curated by ICSL or reported in the Human Gene Mutation Database (HGMD: prior to June 1st, 2018), and was therefore a candidate for classification through an automated scoring system. Utilizing variant allele frequency, disease prevalence and penetrance estimates, and inheritance mode, an automated score was calculated to assess if this variant is too frequent to cause the disease. Based on the score and internal cut-off values, a variant classified as benign is not then subjected to further curation. The score for this variant resulted in a classification of benign for this disease.

Women's Health and Genetics/Laboratory Corporation of America, LabCorp
Classification: Benign. Last evaluated: 2016-10-10. Review status: criteria provided, single submitter. Criteria: LabCorp Variant Classification Summary - May 2015. Collection method: clinical testing. Allele origin: germline.
Comment: Variant summary: The PEX6 c.399G>T (p.Val133Val) variant involves the alteration of a non-conserved nucleotide, resulting in a synonymous change. 5/5 splice prediction tools predict the variant not to have a significant impact on splicing. This variant was found in 5625/12518 control chromosomes (1242 homozygotes) at a frequency of 0.4493529, which greatly exceeds the estimated maximal expected allele frequency of a pathogenic PEX6 variant (0.0019365), suggesting this variant is likely a benign polymorphism. In addition, multiple clinical diagnostic laboratories/reputable databases classified this variant as benign. Taken together, this variant is classified as benign.

Breakthrough Genomics
Classification: Likely benign. Review status: criteria provided, single submitter. Criteria: ACMG Guidelines, 2015. Collection method: not provided. Allele origin: germline. Inheritance: Autosomal recessive inheritance. Affected: yes.

PreventionGenetics, part of Exact Sciences
Classification: Benign. Review status: criteria provided, single submitter. Criteria: ACMG Guidelines, 2015. Collection method: clinical testing. Allele origin: germline.

Natera, Inc.
Classification: Benign for Zellweger syndrome. Last evaluated: 2020-09-16. Review status: no assertion criteria provided. Collection method: clinical testing. Allele origin: germline. Not counted in ClinVar's aggregate classification.

Mayo Clinic Laboratories, Mayo Clinic
Classification: Benign. Last evaluated: 2015-10-21. Review status: no assertion criteria provided. Collection method: clinical testing. Allele origin: unknown. Not counted in ClinVar's aggregate classification.